The following is an entry in ClinVar:

ClinVar aggregate classification (germline): Uncertain significance (1 of 4 stars; one submission).

Submission:

Labcorp Genetics (formerly Invitae), Labcorp
Classification: Uncertain significance. Last evaluated: 2021-04-21. Review status: criteria provided, single submitter. Criteria: Invitae Variant Classification Sherloc (09022015). Collection method: clinical testing. Allele origin: germline.
Comment: In summary, the available evidence is currently insufficient to determine the role of this variant in disease. Therefore, it has been classified as a Variant of Uncertain Significance. Algorithms developed to predict the effect of missense changes on protein structure and function (SIFT, PolyPhen-2, Align-GVGD) all suggest that this variant is likely to be tolerated, but these predictions have not been confirmed by published functional studies and their clinical significance is uncertain. This variant has not been reported in the literature in individuals with POLE-related disease. This variant is not present in population databases (ExAC no frequency). This sequence change replaces arginine with glycine at codon 2028 of the POLE protein (p.Arg2028Gly). The arginine residue is moderately conserved and there is a moderate physicochemical difference between arginine and glycine.

NM_006231.4(POLE):c.6082A>G (p.Arg2028Gly)

Gene: POLE (DNA polymerase epsilon, catalytic subunit; minus strand). Cytogenetic location: 12q24.33.
Variant type: single nucleotide variant.
Coding change: c.6082A>G on transcript NM_006231.4 (MANE Select); coding-DNA position 6082, A replaced by G.
Protein change: p.Arg2028Gly; replaces arginine 2028 with glycine.
Molecular consequence: missense variant.
Genome position (GRCh38, 1-based): chr12:132,632,718, T>C on the plus strand (A>G on the coding strand, the complement: POLE is on the minus strand). VCF-style: chr12-132632718-T-C. GRCh37 (hg19) VCF-style: chr12-133209304-T-C.
Other names: short protein forms R2028G.
Identifiers: ClinVar variation 653944 (VCV000653944.6), dbSNP rs1593708941, ClinGen allele CA387370576.